The following is an entry in ClinVar:

ClinVar aggregate classification (germline): Uncertain significance (1 of 4 stars; one submission).

Allele frequency attached by ClinVar (database versions not stated): gnomAD exomes below 0.00001; ExAC 0.00001.
gnomAD v4.1: 4 of 1,614,160 alleles (0.00025%); highest among the groups gnomAD compares: Non-Finnish European, 0.00034%; no homozygotes.

Submission:

GeneDx
Classification: Uncertain significance. Last evaluated: 2019-08-29. Review status: criteria provided, single submitter. Criteria: GeneDx Variant Classification Process June 2021. Collection method: clinical testing. Allele origin: germline. Affected: yes.
Comment: Not observed at a significant frequency in large population cohorts (Lek et al., 2016); In silico analysis, which includes protein predictors and evolutionary conservation, supports a deleterious effect; Has not been previously published as pathogenic or benign to our knowledge

NM_004519.4(KCNQ3):c.1339C>A (p.Pro447Thr)

Gene: KCNQ3 (potassium voltage-gated channel subfamily Q member 3; minus strand). Cytogenetic location: 8q24.22.
Variant type: single nucleotide variant.
Coding change: c.1339C>A on transcript NM_004519.4 (MANE Select); coding-DNA position 1339, C replaced by A.
Protein change: p.Pro447Thr; replaces proline 447 with threonine.
Molecular consequence: missense variant.
Genome position (GRCh38, 1-based): chr8:132,141,255, G>T on the plus strand (C>A on the coding strand, the complement: KCNQ3 is on the minus strand). VCF-style: chr8-132141255-G-T. GRCh37 (hg19) VCF-style: chr8-133153502-G-T.
Other names: c.979C>A, p.Pro327Thr (NM_001204824.2); short protein forms P327T, P447T.
Identifiers: ClinVar variation 1305660 (VCV001305660.2), dbSNP rs759734514, ClinGen allele CA4880716.